The following is an entry in ClinVar:

ClinVar aggregate classification (germline): Benign. Review status: criteria provided, multiple submitters, no conflicts (2 of 4 stars). 4 submissions from 4 submitters: Benign (4). Last evaluated 2026-10-01.

Allele frequency attached by ClinVar (database versions not stated): gnomAD 0.01460 and 0.01539; 1000 Genomes Project 30x 0.00531; 1000 Genomes Project 0.00599; TOPMed 0.00890; ESP Exome Variant Server 0.00969; ExAC 0.01291; gnomAD exomes 0.01331 and 0.01445.
gnomAD v4.1: 21,548 of 1,613,820 alleles (1.3%); highest among the groups gnomAD compares: Non-Finnish European, 1.3%; 289 homozygotes.

Submissions (4):

CeGaT Center for Human Genetics Tuebingen
Classification: Benign. Last evaluated: 2026-10-01. Review status: criteria provided, single submitter. Criteria: CeGaT Center For Human Genetics Tuebingen Variant Classification Criteria Version 2. Collection method: clinical testing. Allele origin: germline. Affected: yes. Observed: 20 variant alleles.
Comment: FUT8: BS1, BS2

Labcorp Genetics (formerly Invitae), Labcorp
Classification: Benign. Last evaluated: 2026-01-26. Review status: criteria provided, single submitter. Criteria: Invitae Variant Classification Sherloc (09022015). Collection method: clinical testing. Allele origin: germline.

GeneDx
Classification: Benign. Last evaluated: 2018-09-04. Review status: criteria provided, single submitter. Criteria: GeneDx Variant Classification Process June 2021. Collection method: clinical testing. Allele origin: germline. Affected: yes.

Breakthrough Genomics
Classification: Benign. Review status: criteria provided, single submitter. Criteria: ACMG Guidelines, 2015. Collection method: not provided. Allele origin: germline. Inheritance: Autosomal recessive inheritance. Affected: yes.

NM_001371533.1(FUT8):c.301A>C (p.Lys101Gln)

Gene: FUT8 (fucosyltransferase 8; plus strand). Cytogenetic location: 14q23.3.
Variant type: single nucleotide variant.
Coding change: c.301A>C on transcript NM_001371533.1 (MANE Select); coding-DNA position 301, A replaced by C.
Protein change: p.Lys101Gln; replaces lysine 101 with glutamine.
Molecular consequence: missense variant. On other transcripts: 5 prime UTR variant (1), non-coding transcript variant (1).
Genome position (GRCh38, 1-based): chr14:65,616,075, A>C. VCF-style: chr14-65616075-A-C. GRCh37 (hg19) VCF-style: chr14-66082793-A-C.
Other names: c.301A>C, p.Lys101Gln (NM_001371534.1, NM_001371536.1, NM_178155.3 and 1 more transcripts); c.-189A>C (NM_004480.4); short protein forms K101Q.
Identifiers: ClinVar variation 1273382 (VCV001273382.32), dbSNP rs2229678, ClinGen allele CA7233167.
Genomic context (GRCh38, chr14:65,616,075, plus strand): 5'-GGAAGAGTACGCGTTTTAGAAGAGCAGCTTGTTAAGGCCAAAGAACAGATTGAAAATTAC[A>C]AGAAACAGACCAGAAATGGTAGGTGATTATACAGTGTTTTCCCCTCCTCAGTATATGGGC-3'
Protein context (NP_001358462.1, residues 91-111): VKAKEQIENY[Lys101Gln]KQTRNGLGKD